The following is an entry in ClinVar:

NM_000182.5(HADHA):c.189A>G (p.Thr63=)

Gene: HADHA (hydroxyacyl-CoA dehydrogenase trifunctional multienzyme complex subunit alpha; minus strand). Cytogenetic location: 2p23.3.
Variant type: single nucleotide variant.
Coding change: c.189A>G on transcript NM_000182.5 (MANE Select); coding-DNA position 189, A replaced by G.
Protein change: p.Thr63=; no amino-acid change (threonine 63 retained).
Molecular consequence: synonymous variant.
Genome position (GRCh38, 1-based): chr2:26,236,980, T>C on the plus strand (A>G on the coding strand, the complement: HADHA is on the minus strand). VCF-style: chr2-26236980-T-C. GRCh37 (hg19) VCF-style: chr2-26459848-T-C.
Identifiers: ClinVar variation 752873 (VCV000752873.15), dbSNP rs748187062, ClinGen allele CA1559939.

ClinVar aggregate classification (germline): Conflicting classifications of pathogenicity. Review status: criteria provided, conflicting classifications (1 of 4 stars). 4 submissions from 3 submitters: Uncertain significance (2); Likely benign (1). 1 of the submissions does not count toward it. Last evaluated 2025-12-18.

Conditions:
Mitochondrial trifunctional protein deficiency. Identifiers: Orphanet 746, MedGen C1969443, MONDO:0012172.
HADHA-related disorder. Also called: HADHA-related disorders; HADHA-related condition.
Long chain 3-hydroxyacyl-CoA dehydrogenase deficiency. Also called: Deficiency of long-chain 3-hydroxyacyl-coenzyme A dehydrogenase; LCHAD Deficiency. Identifiers: Orphanet 5, MedGen C3711645, MONDO:0012173, OMIM 609016.

Allele frequency attached by ClinVar (database versions not stated): gnomAD 0.00001; gnomAD exomes 0.00001 and 0.00002; ExAC 0.00002; TOPMed 0.00002.

Submissions (4):

Labcorp Genetics (formerly Invitae), Labcorp
Classification: Likely benign for Mitochondrial trifunctional protein deficiency; Long chain 3-hydroxyacyl-CoA dehydrogenase deficiency. Last evaluated: 2025-12-18. Review status: criteria provided, single submitter. Criteria: Invitae Variant Classification Sherloc (09022015). Collection method: clinical testing. Allele origin: germline.

Illumina Laboratory Services, Illumina
Classification: Uncertain significance for Mitochondrial trifunctional protein deficiency 1. Last evaluated: 2018-01-13. Review status: criteria provided, single submitter. Criteria: ICSL Variant Classification Criteria 13 December 2019. Collection method: clinical testing. Allele origin: germline.

Illumina Laboratory Services, Illumina
Classification: Uncertain significance for Long chain 3-hydroxyacyl-CoA dehydrogenase deficiency. Last evaluated: 2018-01-13. Review status: criteria provided, single submitter. Criteria: ICSL Variant Classification Criteria 13 December 2019. Collection method: clinical testing. Allele origin: germline.

PreventionGenetics, part of Exact Sciences
Classification: Likely benign for HADHA-related condition. Last evaluated: 2024-07-18. Review status: no assertion criteria provided. Collection method: clinical testing. Allele origin: germline. Not counted in ClinVar's aggregate classification.
Comment: This variant is classified as likely benign based on ACMG/AMP sequence variant interpretation guidelines (Richards et al. 2015 PMID: 25741868, with internal and published modifications).